The following is an entry in ClinVar:

ClinVar aggregate classification (germline): Uncertain significance (1 of 4 stars; one submission).

Conditions:
Dilated cardiomyopathy 1JJ (CMD1JJ). Identifiers: Orphanet 154, MedGen C3808935, MONDO:0014095, OMIM 615235.

Submission:

Labcorp Genetics (formerly Invitae), Labcorp
Classification: Uncertain significance for Dilated cardiomyopathy 1JJ. Last evaluated: 2022-02-18. Review status: criteria provided, single submitter. Criteria: Invitae Variant Classification Sherloc (09022015). Collection method: clinical testing. Allele origin: germline.
Comment: In summary, the available evidence is currently insufficient to determine the role of this variant in disease. Therefore, it has been classified as a Variant of Uncertain Significance. Variants that disrupt the consensus splice site are a relatively common cause of aberrant splicing (PMID: 17576681, 9536098). Algorithms developed to predict the effect of sequence changes on RNA splicing suggest that this variant may disrupt the consensus splice site. This variant has not been reported in the literature in individuals affected with LAMA4-related conditions. This variant is not present in population databases (gnomAD no frequency). This variant results in the deletion of part of exon 39 (c.5306-8_5326del) of the LAMA4 gene. It affects a nucleotide within the consensus splice site.

Literature cited by the submitters: PubMed 17576681; PubMed 9536098.

NM_001105206.3(LAMA4):c.5327-8_5347del

Gene: LAMA4 (laminin subunit alpha 4; minus strand). Cytogenetic location: 6q21.
Variant type: Deletion.
Coding change: c.5327-8_5347del on transcript NM_001105206.3 (MANE Select); 8 bases into the intron before coding-DNA position 5327 through coding-DNA position 5347, 29 bases deleted (CTTTTCAGAATCTCTACTGACACCACGCT).
Molecular consequence: splice acceptor variant.
Genome position (GRCh38, 1-based): chr6:112,109,562-112,109,590, AGCGTGGTGTCAGTAGAGATTCTGAAAAG deleted on the plus strand (CTTTTCAGAATCTCTACTGACACCACGCT on the coding strand, the reverse complement: LAMA4 is on the minus strand); deleting any 29 consecutive bases within chr6:112,109,562-112,109,593 gives the same sequence; the c. name uses the placement nearest the transcript's 3' end. VCF-style (leftmost placement, unchanged base first): chr6-112109561-AAGCGTGGTGTCAGTAGAGATTCTGAAAAG-A. GRCh37 (hg19) VCF-style: chr6-112430764-AAGCGTGGTGTCAGTAGAGATTCTGAAAAG-A.
Other names: c.5306-8_5326del (NM_002290.5, NM_001105207.3).
Identifiers: ClinVar variation 2098557 (VCV002098557.4), dbSNP rs2546957305, ClinGen allele CA2580074793.